The following is an entry in ClinVar:

NM_001378183.1(PIEZO2):c.1351C>T (p.Arg451Trp)

Gene: PIEZO2 (piezo type mechanosensitive ion channel component 2; minus strand). Cytogenetic location: 18p11.22.
Variant type: single nucleotide variant.
Coding change: c.1351C>T on transcript NM_001378183.1 (MANE Select); coding-DNA position 1351, C replaced by T.
Protein change: p.Arg451Trp; replaces arginine 451 with tryptophan.
Molecular consequence: missense variant.
Genome position (GRCh38, 1-based): chr18:10,800,364, G>A on the plus strand (C>T on the coding strand, the complement: PIEZO2 is on the minus strand). VCF-style: chr18-10800364-G-A. GRCh37 (hg19) VCF-style: chr18-10800362-G-A.
Other names: c.1351C>T, p.Arg451Trp (NM_001410871.1, NM_022068.4); c.1351C>T (NM_022068.2); short protein forms R451W.
Identifiers: ClinVar variation 1879392 (VCV001879392.36), dbSNP rs757512135, ClinGen allele CA8892743.
Genomic context (GRCh38, chr18:10,800,364, plus strand): 5'-AAATGCGACCCTGAGTGCAGGGCTGGCTCCTACCTGAGGATTCATCAGAGGGCTCCCACC[G>A]GTACTGAGGGGTGGAGTAGAGGTCGGCTTTGCCAGGGCCGTTCTCCATGGGCAGGCTTGG-3'
Protein context (NP_001365112.1, residues 441-461): KADLYSTPQY[Arg451Trp]WEPSDESSEK

ClinVar aggregate classification (germline): Conflicting classifications of pathogenicity. Review status: criteria provided, conflicting classifications (1 of 4 stars). 4 submissions from 4 submitters: Uncertain significance (3); Likely benign (1). Last evaluated 2026-06-03.

Conditions:
Inborn genetic diseases. Identifiers: MedGen C0950123, MeSH D030342.

Allele frequency attached by ClinVar (database versions not stated): gnomAD exomes 0.00003; ExAC 0.00005; gnomAD 0.00011; TOPMed 0.00011.
gnomAD v4.1: 57 of 1,535,900 alleles (0.0037%); highest among the groups gnomAD compares: African/African-American, 0.053%; no homozygotes.

Submissions (4):

GeneDx
Classification: Uncertain significance. Last evaluated: 2026-06-03. Review status: criteria provided, single submitter. Criteria: GeneDx Variant Classification Process June 2021. Collection method: clinical testing. Allele origin: germline.
Comment: Has not been previously published as pathogenic or benign to our knowledge; In silico analysis supports that this missense variant has a deleterious effect on protein structure/function

Ambry Genetics
Classification: Uncertain significance for Inborn genetic diseases. Last evaluated: 2025-05-19. Review status: criteria provided, single submitter. Criteria: Ambry Variant Classification Scheme 2023. Collection method: clinical testing. Allele origin: germline.

Labcorp Genetics (formerly Invitae), Labcorp
Classification: Likely benign. Last evaluated: 2024-09-17. Review status: criteria provided, single submitter. Criteria: Invitae Variant Classification Sherloc (09022015). Collection method: clinical testing. Allele origin: germline.

CeGaT Center for Human Genetics Tuebingen
Classification: Uncertain significance. Last evaluated: 2022-12-01. Review status: criteria provided, single submitter. Criteria: CeGaT Center For Human Genetics Tuebingen Variant Classification Criteria Version 2. Collection method: clinical testing. Allele origin: germline. Affected: yes. Observed: 1 variant allele.
Comment: PIEZO2: PP2, BP4